The following is an entry in ClinVar:

NM_000128.4(F11):c.100G>C (p.Asp34His)

Gene: F11 (coagulation factor XI; plus strand). Cytogenetic location: 4q35.2.
Variant type: single nucleotide variant.
Coding change: c.100G>C on transcript NM_000128.4 (MANE Select); coding-DNA position 100, G replaced by C.
Protein change: p.Asp34His; replaces aspartic acid 34 with histidine.
Molecular consequence: missense variant.
Genome position (GRCh38, 1-based): chr4:186,271,653, G>C. VCF-style: chr4-186271653-G-C. GRCh37 (hg19) VCF-style: chr4-187192807-G-C.
Other names: c.100G>C, p.Asp34His (NM_001354804.2); short protein forms D34H.
Identifiers: ClinVar variation 68169 (VCV000068169.3), dbSNP rs281875267, ClinGen allele CA219094.
Genomic context (GRCh38, chr4:186,271,653, plus strand): 5'-ATGTACTACATCACAGAATGTGTGACTCAGTTGTTGAAGGACACCTGCTTTGAAGGAGGG[G>C]ACATTACTACGGTCTTCACACCAAGCGCCAAGTACTGCCAGGTAGTCTGCACTTACCACC-3'
Protein context (NP_000119.1, residues 24-44): LLKDTCFEGG[Asp34His]ITTVFTPSAK

ClinVar aggregate classification (germline): Uncertain significance. Review status: criteria provided, single submitter (1 of 4 stars). 2 submissions from 2 submitters: Uncertain significance (1). 1 of the submissions does not count toward it. Last evaluated 2019-03-25.

Allele frequency attached by ClinVar (database versions not stated): TOPMed 0.00002; gnomAD exomes 0.00001 and 0.00003.
gnomAD v4.1: 53 of 1,614,156 alleles (0.0033%); highest among the groups gnomAD compares: Middle Eastern, 0.016%; no homozygotes.

Submissions (2):

GeneDx
Classification: Uncertain significance. Last evaluated: 2019-03-25. Review status: criteria provided, single submitter. Criteria: GeneDx Variant Classification Process June 2021. Collection method: clinical testing. Allele origin: germline. Affected: yes.
Comment: Identified in a patient with factor XI deficiency in published literature (Pugh et al., 1995); Not observed at a significant frequency in large population cohorts (Lek et al., 2016); In silico analysis, which includes protein predictors and evolutionary conservation, supports a deleterious effect; This variant is associated with the following publications: (PMID: 19652879, 7888672)

UniProtKB/Swiss-Prot
No classification provided. Review status: no classification provided. Collection method: not provided. Allele origin: not provided. Not counted in ClinVar's aggregate classification.